The following is an entry in ClinVar:

NM_001291303.3(FAT4):c.6982G>T (p.Glu2328Ter)

Gene: FAT4 (FAT atypical cadherin 4; plus strand). Cytogenetic location: 4q28.1.
Variant type: single nucleotide variant.
Coding change: c.6982G>T on transcript NM_001291303.3 (MANE Select); coding-DNA position 6982, G replaced by T.
Protein change: p.Glu2328Ter; replaces glutamic acid 2328 with a stop codon.
Molecular consequence: nonsense.
Genome position (GRCh38, 1-based): chr4:125,416,586, G>T. VCF-style: chr4-125416586-G-T. GRCh37 (hg19) VCF-style: chr4-126337741-G-T.
Other names: c.6982G>T, p.Glu2328Ter (NM_001291285.3, NM_024582.6); short protein forms E2328*.
Identifiers: ClinVar variation 1710358 (VCV001710358.3), dbSNP rs1735081763, ClinGen allele CA358131709.

ClinVar aggregate classification (germline): Likely pathogenic (1 of 4 stars; one submission).

Conditions:
Van Maldergem syndrome 2 (VMLDS2). Identifiers: Orphanet 314679, MedGen C3809875, MONDO:0014242, OMIM 615546.

Submission:

Greenwood Genetic Center Diagnostic Laboratories, Greenwood Genetic Center
Classification: Likely pathogenic for Van Maldergem syndrome 2. Last evaluated: 2022-08-17. Review status: criteria provided, single submitter. Criteria: ACMG Guidelines, 2015. Collection method: clinical testing. Allele origin: germline. Affected: yes.
Comment: PVPS1 PM2